The following is an entry in ClinVar:

NM_001099271.2(POC5):c.857A>G (p.Lys286Arg)

Gene: POC5 (POC5 centriolar protein; minus strand). Cytogenetic location: 5q13.3.
Variant type: single nucleotide variant.
Coding change: c.857A>G on transcript NM_001099271.2 (MANE Select); coding-DNA position 857, A replaced by G.
Protein change: p.Lys286Arg; replaces lysine 286 with arginine.
Molecular consequence: missense variant.
Genome position (GRCh38, 1-based): chr5:75,690,501, T>C on the plus strand (A>G on the coding strand, the complement: POC5 is on the minus strand). VCF-style: chr5-75690501-T-C. GRCh37 (hg19) VCF-style: chr5-74986326-T-C.
Other names: c.782A>G, p.Lys261Arg (NM_152408.3); short protein forms K286R, K261R.
Identifiers: ClinVar variation 1931467 (VCV001931467.5), dbSNP rs539358783, ClinGen allele CA3310458.

ClinVar aggregate classification (germline): Uncertain significance (1 of 4 stars; one submission).

Allele frequency attached by ClinVar (database versions not stated): ExAC 0.00001; gnomAD 0.00001; gnomAD exomes 0.00001; 1000 Genomes Project 0.00020; 1000 Genomes Project 30x 0.00031.
gnomAD v4.1: 4 of 1,605,882 alleles (0.00025%); highest among the groups gnomAD compares: South Asian, 0.0045%; no homozygotes.

Submission:

Labcorp Genetics (formerly Invitae), Labcorp
Classification: Uncertain significance. Last evaluated: 2024-01-02. Review status: criteria provided, single submitter. Criteria: Invitae Variant Classification Sherloc (09022015). Collection method: clinical testing. Allele origin: germline.
Comment: This sequence change replaces lysine, which is basic and polar, with arginine, which is basic and polar, at codon 286 of the POC5 protein (p.Lys286Arg). This variant is present in population databases (rs539358783, gnomAD 0.007%). This variant has not been reported in the literature in individuals affected with POC5-related conditions. ClinVar contains an entry for this variant (Variation ID: 1931467). Algorithms developed to predict the effect of missense changes on protein structure and function output the following: SIFT: "Not Available"; PolyPhen-2: "Probably Damaging"; Align-GVGD: "Not Available". The arginine amino acid residue is found in multiple mammalian species, which suggests that this missense change does not adversely affect protein function. In summary, the available evidence is currently insufficient to determine the role of this variant in disease. Therefore, it has been classified as a Variant of Uncertain Significance.